The following is an entry in ClinVar:

ClinVar aggregate classification (germline): Uncertain significance (1 of 4 stars; one submission).

Conditions:
Malignant hyperthermia, susceptibility to, 5 (MHS5). Also called: CACNA1S-Related Malignant Hyperthermia Susceptibility. Identifiers: Orphanet 423, MedGen C1866077, MONDO:0011163, OMIM 601887.

gnomAD v4.1: 4 of 1,614,180 alleles (0.00025%); highest among the groups gnomAD compares: Admixed American, 0.0033%; no homozygotes.

Submission:

All of Us Research Program, National Institutes of Health
Classification: Uncertain significance for Malignant hyperthermia, susceptibility to, 5. Last evaluated: 2024-02-22. Review status: criteria provided, single submitter. Criteria: ACMG Guidelines, 2015. Collection method: clinical testing. Allele origin: germline. Inheritance: Autosomal dominant inheritance. Observed: 1 variant allele, 1 heterozygote.
Comment: This missense variant replaces alanine with serine at codon 1042 of the CACNA1S protein. Computational prediction is inconclusive regarding the impact of this variant on protein structure and function (internally defined REVEL score threshold 0.5 < inconclusive < 0.7, PMID: 27666373). To our knowledge, functional studies have not been reported for this variant. This variant has not been reported in individuals affected with CACNA1S-related disorders in the literature. This variant has been identified in 2/251464 chromosomes in the general population by the Genome Aggregation Database (gnomAD). The available evidence is insufficient to determine the role of this variant in disease conclusively. Therefore, this variant is classified as a Variant of Uncertain Significance.

This study involves interpretation of variants in research participants for the purpose of population health screening. Participant phenotype was not available at the time of variant classification. Additional details can be found in publication PMID: 35346344, PMCID: PMC8962531

NM_000069.3(CACNA1S):c.3124G>T (p.Ala1042Ser)

Gene: CACNA1S (calcium voltage-gated channel subunit alpha1 S; minus strand). Cytogenetic location: 1q32.1.
Variant type: single nucleotide variant.
Coding change: c.3124G>T on transcript NM_000069.3 (MANE Select); coding-DNA position 3124, G replaced by T.
Protein change: p.Ala1042Ser; replaces alanine 1042 with serine.
Molecular consequence: missense variant.
Genome position (GRCh38, 1-based): chr1:201,061,398, C>A on the plus strand (G>T on the coding strand, the complement: CACNA1S is on the minus strand). VCF-style: chr1-201061398-C-A. GRCh37 (hg19) VCF-style: chr1-201030526-C-A.
Other names: short protein forms A1042S.
Identifiers: ClinVar variation 3386335 (VCV003386335.1).